The following is an entry in ClinVar:

NM_001370259.2(MEN1):c.117_118del (p.Leu39fs)

Gene: MEN1 (menin 1; minus strand). Cytogenetic location: 11q13.1.
Variant type: Deletion.
Coding change: c.117_118del on transcript NM_001370259.2 (MANE Select); coding-DNA positions 117 to 118, 2 bases deleted (GG; older notation c.117_118delGG).
Protein change: p.Leu39fs; shifts the reading frame from leucine 39.
Molecular consequence: frameshift variant.
Genome position (GRCh38, 1-based): chr11:64,809,992-64,809,993, CC deleted on the plus strand (GG on the coding strand, the reverse complement: MEN1 is on the minus strand). VCF-style (leftmost placement, unchanged base first): chr11-64809991-ACC-A. GRCh37 (hg19) VCF-style: chr11-64577463-ACC-A.
Other names: c.117_118del, p.Leu39fs (NM_000244.4, NM_001370251.2, NM_001370260.2 and 9 more transcripts); short protein forms L39fs.
Identifiers: ClinVar variation 1071830 (VCV001071830.7), dbSNP rs2136193574, ClinGen allele CA2499221172.

ClinVar aggregate classification (germline): Pathogenic (1 of 4 stars; one submission).

Conditions:
Multiple endocrine neoplasia, type 1 (MEN1). Also called: MEN I; WERMER SYNDROME; Endocrine adenomatosis multiple; MEN 1; MEA I. Identifiers: Orphanet 652, MedGen C0025267, MeSH D018761, MONDO:0007540, OMIM 131100.

Submission:

Labcorp Genetics (formerly Invitae), Labcorp
Classification: Pathogenic for Multiple endocrine neoplasia, type 1. Last evaluated: 2021-05-18. Review status: criteria provided, single submitter. Criteria: Invitae Variant Classification Sherloc (09022015). Collection method: clinical testing. Allele origin: germline.
Comment: For these reasons, this variant has been classified as Pathogenic. This variant has not been reported in the literature in individuals with MEN1-related conditions. This variant is not present in population databases (ExAC no frequency). This sequence change creates a premature translational stop signal (p.Leu39Phefs*77) in the MEN1 gene. It is expected to result in an absent or disrupted protein product. Loss-of-function variants in MEN1 are known to be pathogenic (PMID: 12112656, 17853334).

Literature cited by the submitters: PubMed 12112656; PubMed 17853334.